The following is an entry in ClinVar:

ClinVar aggregate classification (germline): Conflicting classifications of pathogenicity. Review status: criteria provided, conflicting classifications (1 of 4 stars). 4 submissions from 4 submitters: Uncertain significance (2); Likely benign (2). Last evaluated 2026-05-29.

Conditions:
ABCC2-related disorder. Also called: ABCC2-related condition.
Dubin-Johnson syndrome (DJS). Also called: HYPERBILIRUBINEMIA, DUBIN-JOHNSON TYPE; Jaundice, Chronic Idiopathic; Hyperbilirubinemia type 2. Identifiers: Orphanet 234, MedGen C0022350, MONDO:0009380, OMIM 237500.

Allele frequency attached by ClinVar (database versions not stated): gnomAD exomes 0.00004; ExAC 0.00007; TOPMed 0.00008; gnomAD 0.00012; 1000 Genomes Project 0.00040; 1000 Genomes Project 30x 0.00047.
gnomAD v4.1: 59 of 1,614,158 alleles (0.0037%); highest among the groups gnomAD compares: African/African-American, 0.04%; no homozygotes.

Submissions (4):

PreventionGenetics, part of Exact Sciences
Classification: Likely benign for ABCC2-related condition. Last evaluated: 2026-05-29. Review status: criteria provided, single submitter. Criteria: ACMG Guidelines, 2015. Collection method: clinical testing. Allele origin: germline.
Comment: This variant is classified as likely benign based on ACMG/AMP sequence variant interpretation guidelines (Richards et al. 2015 PMID: 25741868, with internal and published modifications).

Labcorp Genetics (formerly Invitae), Labcorp
Classification: Likely benign. Last evaluated: 2024-03-21. Review status: criteria provided, single submitter. Criteria: Invitae Variant Classification Sherloc (09022015). Collection method: clinical testing. Allele origin: germline.

Illumina Laboratory Services, Illumina
Classification: Uncertain significance for Dubin-Johnson syndrome. Last evaluated: 2018-01-13. Review status: criteria provided, single submitter. Criteria: ICSL Variant Classification Criteria 13 December 2019. Collection method: clinical testing. Allele origin: germline.

Eurofins Ntd Llc (ga)
Classification: Uncertain significance. Last evaluated: 2017-02-07. Review status: criteria provided, single submitter. Criteria: EGL Classification Definitions 2015. Collection method: clinical testing. Allele origin: germline. Observed: 2 variant alleles, 2 heterozygotes.

NM_000392.5(ABCC2):c.3081C>T (p.Tyr1027=)

Gene: ABCC2 (ATP binding cassette subfamily C member 2; plus strand). Cytogenetic location: 10q24.2.
Variant type: single nucleotide variant.
Coding change: c.3081C>T on transcript NM_000392.5 (MANE Select); coding-DNA position 3081, C replaced by T.
Protein change: p.Tyr1027=; no amino-acid change (tyrosine 1027 retained).
Molecular consequence: synonymous variant.
Genome position (GRCh38, 1-based): chr10:99,831,808, C>T. VCF-style: chr10-99831808-C-T. GRCh37 (hg19) VCF-style: chr10-101591565-C-T.
Other names: c.3081C>T (NM_000392.4); c.3081C>T, p.Tyr1027= (LRG_1208t1).
Identifiers: ClinVar variation 289549 (VCV000289549.13), dbSNP rs201212360, ClinGen allele CA5643679.